The following is an entry in ClinVar:

NM_001378454.1(ALMS1):c.8861A>T (p.Asp2954Val)

Gene: ALMS1 (ALMS1 centrosome and basal body associated protein; plus strand). Cytogenetic location: 2p13.1.
Variant type: single nucleotide variant.
Coding change: c.8861A>T on transcript NM_001378454.1 (MANE Select); coding-DNA position 8861, A replaced by T.
Protein change: p.Asp2954Val; replaces aspartic acid 2954 with valine.
Molecular consequence: missense variant.
Genome position (GRCh38, 1-based): chr2:73,490,820, A>T. VCF-style: chr2-73490820-A-T. GRCh37 (hg19) VCF-style: chr2-73717947-A-T.
Other names: c.8864A>T, p.Asp2955Val (NM_015120.4); short protein forms D2954V, D2955V.
Identifiers: ClinVar variation 1506904 (VCV001506904.6), dbSNP rs751940353, ClinGen allele CA347271022.

ClinVar aggregate classification (germline): Uncertain significance (1 of 4 stars; one submission).

Conditions:
Alstrom syndrome (ALMS). Identifiers: Orphanet 64, MedGen C0268425, MONDO:0008763, OMIM 203800.

Submission:

Labcorp Genetics (formerly Invitae), Labcorp
Classification: Uncertain significance for Alstrom syndrome. Last evaluated: 2021-09-23. Review status: criteria provided, single submitter. Criteria: Invitae Variant Classification Sherloc (09022015). Collection method: clinical testing. Allele origin: germline.
Comment: This variant has not been reported in the literature in individuals affected with ALMS1-related conditions. This sequence change replaces aspartic acid with valine at codon 2955 of the ALMS1 protein (p.Asp2955Val). The aspartic acid residue is moderately conserved and there is a large physicochemical difference between aspartic acid and valine. This variant is not present in population databases (ExAC no frequency). Experimental studies and prediction algorithms are not available or were not evaluated, and the functional significance of this variant is currently unknown. In summary, the available evidence is currently insufficient to determine the role of this variant in disease. Therefore, it has been classified as a Variant of Uncertain Significance.